The following is an entry in ClinVar:

NM_001292034.3(TAB2):c.532A>G (p.Met178Val)

Gene: TAB2 (TGF-beta activated kinase 1 (MAP3K7) binding protein 2; plus strand). Cytogenetic location: 6q25.1.
Variant type: single nucleotide variant.
Coding change: c.532A>G on transcript NM_001292034.3 (MANE Select); coding-DNA position 532, A replaced by G.
Protein change: p.Met178Val; replaces methionine 178 with valine.
Molecular consequence: missense variant.
Genome position (GRCh38, 1-based): chr6:149,378,447, A>G. VCF-style: chr6-149378447-A-G. GRCh37 (hg19) VCF-style: chr6-149699583-A-G.
Other names: c.436A>G, p.Met146Val (NM_001292035.3); c.532A>G, p.Met178Val (NM_001369506.1, NM_015093.6); short protein forms M146V, M178V.
Identifiers: ClinVar variation 4804471 (VCV004804471.1).

ClinVar aggregate classification (germline): Uncertain significance (1 of 4 stars; one submission).

Submission:

Labcorp Genetics (formerly Invitae), Labcorp
Classification: Uncertain significance. Last evaluated: 2025-04-23. Review status: criteria provided, single submitter. Criteria: Invitae Variant Classification Sherloc (09022015). Collection method: clinical testing. Allele origin: germline.
Comment: This sequence change replaces methionine, which is neutral and non-polar, with valine, which is neutral and non-polar, at codon 178 of the TAB2 protein (p.Met178Val). This variant is not present in population databases (gnomAD no frequency). This variant has not been reported in the literature in individuals affected with TAB2-related conditions. Invitae Evidence Modeling of protein sequence and biophysical properties (such as structural, functional, and spatial information, amino acid conservation, physicochemical variation, residue mobility, and thermodynamic stability) indicates that this missense variant is not expected to disrupt TAB2 protein function with a negative predictive value of 80%. In summary, the available evidence is currently insufficient to determine the role of this variant in disease. Therefore, it has been classified as a Variant of Uncertain Significance.